The following is an entry in ClinVar:

ClinVar aggregate classification (germline): Uncertain significance (1 of 4 stars; one submission).

Conditions:
Fanconi anemia (FA). Also called: Fanconi's anemia. Identifiers: Orphanet 84, MedGen C0015625, MeSH D005199, MONDO:0019391.

Allele frequency attached by ClinVar (database versions not stated): gnomAD exomes below 0.00001.
gnomAD v4.1: 4 of 1,614,146 alleles (0.00025%); highest among the groups gnomAD compares: East Asian, 0.0045%; no homozygotes.

Submission:

Labcorp Genetics (formerly Invitae), Labcorp
Classification: Uncertain significance for Fanconi anemia. Last evaluated: 2023-07-12. Review status: criteria provided, single submitter. Criteria: Invitae Variant Classification Sherloc (09022015). Collection method: clinical testing. Allele origin: germline.
Comment: In summary, the available evidence is currently insufficient to determine the role of this variant in disease. Therefore, it has been classified as a Variant of Uncertain Significance. Algorithms developed to predict the effect of missense changes on protein structure and function output the following: SIFT: "Not Available"; PolyPhen-2: "Benign"; Align-GVGD: "Not Available". The serine amino acid residue is found in multiple mammalian species, which suggests that this missense change does not adversely affect protein function. This variant has not been reported in the literature in individuals affected with FANCD2-related conditions. This variant is not present in population databases (gnomAD no frequency). This sequence change replaces asparagine, which is neutral and polar, with serine, which is neutral and polar, at codon 993 of the FANCD2 protein (p.Asn993Ser).

NM_001018115.3(FANCD2):c.2978A>G (p.Asn993Ser)

Gene: FANCD2 (FA complementation group D2; plus strand). Cytogenetic location: 3p25.3.
Variant type: single nucleotide variant.
Coding change: c.2978A>G on transcript NM_001018115.3 (MANE Select); coding-DNA position 2978, A replaced by G.
Protein change: p.Asn993Ser; replaces asparagine 993 with serine.
Molecular consequence: missense variant.
Genome position (GRCh38, 1-based): chr3:10,081,101, A>G. VCF-style: chr3-10081101-A-G. GRCh37 (hg19) VCF-style: chr3-10122785-A-G.
Other names: c.2978A>G, p.Asn993Ser (NM_001319984.2, NM_001374254.1, NM_033084.6); c.2867A>G, p.Asn956Ser (NM_001374253.1); short protein forms N956S, N993S.
Identifiers: ClinVar variation 2739697 (VCV002739697.3), dbSNP rs1693809235, ClinGen allele CA351747103.